The following is an entry in ClinVar:

ClinVar aggregate classification (germline): Uncertain significance (1 of 4 stars; one submission).

Conditions:
Cutis laxa, autosomal dominant 3 (ADCL3). Identifiers: Orphanet 90348, MedGen C4225268, MONDO:0014706, OMIM 616603.
Autosomal dominant spastic paraplegia type 9. Identifiers: MedGen C1832669, MONDO:0015091.
de Barsy syndrome. Also called: Cutis laxa-corneal clouding-oligophrenia syndrome. Identifiers: Orphanet 2962, MedGen C0268354, MONDO:0017569.

Submission:

Labcorp Genetics (formerly Invitae), Labcorp
Classification: Uncertain significance for Autosomal dominant spastic paraplegia type 9; de Barsy syndrome; Cutis laxa, autosomal dominant 3. Last evaluated: 2025-08-24. Review status: criteria provided, single submitter. Criteria: Invitae Variant Classification Sherloc (09022015). Collection method: clinical testing. Allele origin: germline.
Comment: This sequence change replaces leucine, which is neutral and non-polar, with phenylalanine, which is neutral and non-polar, at codon 207 of the ALDH18A1 protein (p.Leu207Phe). This variant is not present in population databases (gnomAD no frequency). This variant has not been reported in the literature in individuals affected with ALDH18A1-related conditions. Invitae Evidence Modeling of protein sequence and biophysical properties (such as structural, functional, and spatial information, amino acid conservation, physicochemical variation, residue mobility, and thermodynamic stability) has been performed for this missense variant. However, the output from this modeling did not meet the statistical confidence thresholds required to predict the impact of this variant on ALDH18A1 protein function. In summary, the available evidence is currently insufficient to determine the role of this variant in disease. Therefore, it has been classified as a Variant of Uncertain Significance.

NM_002860.4(ALDH18A1):c.619C>T (p.Leu207Phe)

Gene: ALDH18A1 (aldehyde dehydrogenase 18 family member A1; minus strand). Cytogenetic location: 10q24.1.
Variant type: single nucleotide variant.
Coding change: c.619C>T on transcript NM_002860.4 (MANE Select); coding-DNA position 619, C replaced by T.
Protein change: p.Leu207Phe; replaces leucine 207 with phenylalanine.
Molecular consequence: missense variant. On other transcripts: 5 prime UTR variant (1).
Genome position (GRCh38, 1-based): chr10:95,633,589, G>A on the plus strand (C>T on the coding strand, the complement: ALDH18A1 is on the minus strand). VCF-style: chr10-95633589-G-A. GRCh37 (hg19) VCF-style: chr10-97393346-G-A.
Other names: c.619C>T, p.Leu207Phe (NM_001017423.2, NM_001323413.2, NM_001323414.2 and 1 more transcripts); c.286C>T, p.Leu96Phe (NM_001323412.2, NM_001323416.2, NM_001323418.2); c.514C>T, p.Leu172Phe (NM_001323417.2); c.-18C>T (NM_001323419.2); short protein forms L172F, L207F, L96F.
Identifiers: ClinVar variation 4790630 (VCV004790630.1).
Genomic context (GRCh38, chr10:95,633,589, plus strand): 5'-GGACAACAGCATCATTTGTGTTGACAATGGGGACAATGTTCATTCTAAGGAGTTCATGAA[G>A]TGTTCCATTGAGGTTCCGGCGCTTCTGCTCATCATGGAAATCCAAATTGGTCACCAAAAT-3'
Protein context (NP_002851.2, residues 197-217): EQKRRNLNGT[Leu207Phe]HELLRMNIVP